The following is an entry in ClinVar:

ClinVar aggregate classification (germline): Benign/Likely benign. Review status: criteria provided, multiple submitters, no conflicts (2 of 4 stars). 11 submissions from 10 submitters: Benign (3); Likely benign (7). 1 of the submissions does not count toward it. Last evaluated 2026-09-01.

Conditions:
COL11A1-related disorder. Also called: COL11A1-related disorders; COL11A1-related condition.
Connective tissue disorder. Also called: Connective tissue disease. Identifiers: MedGen C0009782, MONDO:0003900.
Fibrochondrogenesis 1 (FBCG1). Identifiers: Orphanet 2021, MedGen C3278138, MONDO:0009226, OMIM 228520.
Stickler syndrome type 2 (STL2). Also called: STICKLER SYNDROME, TYPE II; STICKLER SYNDROME, BEADED VITREOUS TYPE; STICKLER SYNDROME, VITREOUS TYPE 2; COL11A1-Related Stickler Syndrome. Identifiers: Orphanet 828, Orphanet 90654, MedGen C1858084, MONDO:0011493, OMIM 604841.

Allele frequency attached by ClinVar (database versions not stated): 1000 Genomes Project 0.00080; 1000 Genomes Project 30x 0.00094; gnomAD 0.00274 and 0.00284; ESP Exome Variant Server 0.00284; ExAC 0.00294; TOPMed 0.00306; gnomAD exomes 0.00336 and 0.00337.
gnomAD v4.1: 5,390 of 1,613,130 alleles (0.33%); highest among the groups gnomAD compares: Middle Eastern, 0.38%; 21 homozygotes.

Submissions (11):

CeGaT Center for Human Genetics Tuebingen
Classification: Likely benign. Last evaluated: 2026-09-01. Review status: criteria provided, single submitter. Criteria: CeGaT Center For Human Genetics Tuebingen Variant Classification Criteria Version 2. Collection method: clinical testing. Allele origin: germline. Affected: yes. Observed: 23 variant alleles.
Comment: COL11A1: PP3, BS2

Women's Health and Genetics/Laboratory Corporation of America, LabCorp
Classification: Likely benign. Last evaluated: 2026-05-21. Review status: criteria provided, single submitter. Criteria: LabCorp Variant Classification Summary - May 2015. Collection method: clinical testing. Allele origin: germline.
Comment: Variant summary: COL11A1 c.4416C>A (p.Asp1472Glu) results in a conservative amino acid change in the encoded protein sequence. Algorithms developed to predict the effect of missense changes on protein structure and function are either unavailable or do not agree on the potential impact of this missense change. The variant allele was found at a frequency of 0.0034 in 251434 control chromosomes in the gnomAD database, including 6 homozygotes. The observed variant frequency exceeds the estimated maximal expected allele frequency for disease-causing variants in COL11A1. c.4416C>A has been observed in one individual affected with inherited retinal and optical nerve disorders (Dineiro_2020). These report(s) do not provide unequivocal conclusions about association of the variant with disease. To our knowledge, no experimental evidence demonstrating an impact on protein function has been reported. ClinVar contains an entry for this variant (Variation ID: 198019). The following publication has been ascertained in the context of this evaluation (PMID: 32483926). Based on the evidence outlined above, the variant was classified as likely benign.

Labcorp Genetics (formerly Invitae), Labcorp
Classification: Benign. Last evaluated: 2026-02-01. Review status: criteria provided, single submitter. Criteria: Invitae Variant Classification Sherloc (09022015). Collection method: clinical testing. Allele origin: germline.

Blueprint Genetics
Classification: Likely benign. Last evaluated: 2024-11-21. Review status: criteria provided, single submitter. Criteria: ACMG Guidelines, 2015. Collection method: clinical testing. Allele origin: germline.

ARUP Laboratories, Molecular Genetics and Genomics, ARUP Laboratories
Classification: Benign. Last evaluated: 2024-10-29. Review status: criteria provided, single submitter. Criteria: ARUP Molecular Germline Variant Investigation Process 2024. Collection method: clinical testing. Allele origin: germline.

GeneDx
Classification: Benign. Last evaluated: 2018-07-25. Review status: criteria provided, single submitter. Criteria: GeneDx Variant Classification Process June 2021. Collection method: clinical testing. Allele origin: germline. Affected: yes.
Comment: This variant is associated with the following publications: (PMID: 15922184, 27353947, 24036952)

Illumina Laboratory Services, Illumina
Classification: Likely benign for Fibrochondrogenesis 1. Last evaluated: 2018-01-13. Review status: criteria provided, single submitter. Criteria: ICSL Variant Classification Criteria 13 December 2019. Collection method: clinical testing. Allele origin: germline.
Comment: This variant was observed in the ICSL laboratory as part of a predisposition screen in an ostensibly healthy population. It had not been previously curated by ICSL or reported in the Human Gene Mutation Database (HGMD: prior to June 1st, 2018), and was therefore a candidate for classification through an automated scoring system. Utilizing variant allele frequency, disease prevalence and penetrance estimates, and inheritance mode, an automated score was calculated to assess if this variant is too frequent to cause the disease. Based on the score and internal cut-off values, a variant classified as likely benign is not then subjected to further curation. The score for this variant resulted in a classification of likely benign for this disease.

Illumina Laboratory Services, Illumina
Classification: Likely benign for Stickler syndrome type 2. Last evaluated: 2018-01-13. Review status: criteria provided, single submitter. Criteria: ICSL Variant Classification Criteria 13 December 2019. Collection method: clinical testing. Allele origin: germline.
Comment: the same text as in the submission from Illumina Laboratory Services, Illumina above.

Center for Human Genetics, Inc
Classification: Likely benign for Connective tissue disorder. Last evaluated: 2016-11-01. Review status: criteria provided, single submitter. Criteria: ACMG Guidelines, 2015. Collection method: clinical testing. Allele origin: germline. Affected: yes.

Eurofins Ntd Llc (ga)
Classification: Likely benign. Last evaluated: 2014-10-03. Review status: criteria provided, single submitter. Criteria: EGL Classification Definitions 2015. Collection method: clinical testing. Allele origin: germline. Observed: 2 variant alleles, 2 heterozygotes.

PreventionGenetics, part of Exact Sciences
Classification: Benign for COL11A1-related condition. Last evaluated: 2021-02-01. Review status: no assertion criteria provided. Collection method: clinical testing. Allele origin: germline. Not counted in ClinVar's aggregate classification.
Comment: This variant is classified as benign based on ACMG/AMP sequence variant interpretation guidelines (Richards et al. 2015 PMID: 25741868, with internal and published modifications).

Literature cited by the submitters: PubMed 32483926 (cited by Women's Health and Genetics/Laboratory Corporation of America, LabCorp).

NM_001854.4(COL11A1):c.4416C>A (p.Asp1472Glu)

Gene: COL11A1 (collagen type XI alpha 1 chain; minus strand). Cytogenetic location: 1p21.1.
Variant type: single nucleotide variant.
Coding change: c.4416C>A on transcript NM_001854.4 (MANE Select); coding-DNA position 4416, C replaced by A.
Protein change: p.Asp1472Glu; replaces aspartic acid 1472 with glutamic acid.
Molecular consequence: missense variant. On other transcripts: non-coding transcript variant (1).
Genome position (GRCh38, 1-based): chr1:102,889,503, G>T on the plus strand (C>A on the coding strand, the complement: COL11A1 is on the minus strand). VCF-style: chr1-102889503-G-T. GRCh37 (hg19) VCF-style: chr1-103355059-G-T.
Other names: c.4299C>A, p.Asp1433Glu (NM_001190709.2); c.4452C>A, p.Asp1484Glu (NM_080629.3); c.4068C>A, p.Asp1356Glu (NM_080630.4); short protein forms D1484E, D1472E, D1356E, D1433E.
Identifiers: ClinVar variation 198019 (VCV000198019.66), dbSNP rs55821405, ClinGen allele CA203185.